The following is an entry in ClinVar:

NM_005228.5(EGFR):c.1717G>A (p.Gly573Arg)

Gene: EGFR (epidermal growth factor receptor; plus strand). Cytogenetic location: 7p11.2.
Variant type: single nucleotide variant.
Coding change: c.1717G>A on transcript NM_005228.5 (MANE Select); coding-DNA position 1717, G replaced by A.
Protein change: p.Gly573Arg; replaces glycine 573 with arginine.
Molecular consequence: missense variant.
Genome position (GRCh38, 1-based): chr7:55,163,818, G>A. VCF-style: chr7-55163818-G-A. GRCh37 (hg19) VCF-style: chr7-55231511-G-A.
Other names: c.1582G>A, p.Gly528Arg (NM_001346897.2, NM_001346899.2); c.1717G>A, p.Gly573Arg (NM_001346898.2, NM_201282.2, NM_201284.2); c.1558G>A, p.Gly520Arg (NM_001346900.2); c.916G>A, p.Gly306Arg (NM_001346941.2); short protein forms G528R, G573R, G306R, G520R.
Identifiers: ClinVar variation 4698742 (VCV004698742.1).

ClinVar aggregate classification (germline): Uncertain significance (1 of 4 stars; one submission).

Conditions:
EGFR-related lung cancer (EGFR). Identifiers: MedGen CN130014.

Submission:

Labcorp Genetics (formerly Invitae), Labcorp
Classification: Uncertain significance for EGFR-related lung cancer. Last evaluated: 2025-11-01. Review status: criteria provided, single submitter. Criteria: Invitae Variant Classification Sherloc (09022015). Collection method: clinical testing. Allele origin: germline.
Comment: This sequence change replaces glycine, which is neutral and non-polar, with arginine, which is basic and polar, at codon 573 of the EGFR protein (p.Gly573Arg). This variant is not present in population databases (gnomAD no frequency). This variant has not been reported in the literature in individuals affected with EGFR-related conditions. Invitae Evidence Modeling of protein sequence and biophysical properties (such as structural, functional, and spatial information, amino acid conservation, physicochemical variation, residue mobility, and thermodynamic stability) indicates that this missense variant is expected to disrupt EGFR protein function with a positive predictive value of 80%. In summary, the available evidence is currently insufficient to determine the role of this variant in disease. Therefore, it has been classified as a Variant of Uncertain Significance.